The following is an entry in ClinVar:

NM_002317.7(LOX):c.455C>T (p.Pro152Leu)

Genes: LOX (lysyl oxidase; minus strand), SRFBP1 (serum response factor binding protein 1; plus strand). Cytogenetic location: 5q23.1.
Variant type: single nucleotide variant.
Coding change: c.455C>T on transcript NM_002317.7 (MANE Select); coding-DNA position 455, C replaced by T.
Protein change: p.Pro152Leu; replaces proline 152 with leucine.
Molecular consequence: missense variant.
Genome position (GRCh38, 1-based): chr5:122,077,531, G>A on the plus strand (C>T on the coding strand, the complement: LOX is on the minus strand). VCF-style: chr5-122077531-G-A. GRCh37 (hg19) VCF-style: chr5-121413226-G-A.
Other names: short protein forms P152L.
Identifiers: ClinVar variation 2094857 (VCV002094857.4), dbSNP rs1228984240, ClinGen allele CA360876139.

ClinVar aggregate classification (germline): Uncertain significance (1 of 4 stars; one submission).

Submission:

Labcorp Genetics (formerly Invitae), Labcorp
Classification: Uncertain significance. Last evaluated: 2022-09-24. Review status: criteria provided, single submitter. Criteria: Invitae Variant Classification Sherloc (09022015). Collection method: clinical testing. Allele origin: germline.
Comment: This sequence change replaces proline, which is neutral and non-polar, with leucine, which is neutral and non-polar, at codon 152 of the LOX protein (p.Pro152Leu). This variant is present in population databases (no rsID available, gnomAD 0.0009%). This variant has not been reported in the literature in individuals affected with LOX-related conditions. Advanced modeling of protein sequence and biophysical properties (such as structural, functional, and spatial information, amino acid conservation, physicochemical variation, residue mobility, and thermodynamic stability) performed at Invitae indicates that this missense variant is not expected to disrupt LOX protein function. In summary, the available evidence is currently insufficient to determine the role of this variant in disease. Therefore, it has been classified as a Variant of Uncertain Significance.